The following is an entry in ClinVar:

ClinVar aggregate classification (germline): Uncertain significance (1 of 4 stars; one submission).

Conditions:
Catecholaminergic polymorphic ventricular tachycardia (CVPT). Also called: Catecholamine-induced polymorphic ventricular tachycardia. Identifiers: Orphanet 3286, MedGen C5574922, MONDO:0017990.

Submission:

All of Us Research Program, National Institutes of Health
Classification: Uncertain significance for Catecholaminergic polymorphic ventricular tachycardia. Last evaluated: 2023-08-15. Review status: criteria provided, single submitter. Criteria: ACMG Guidelines, 2015. Collection method: clinical testing. Allele origin: germline. Inheritance: Autosomal dominant inheritance. Observed: 1 variant allele, 1 heterozygote.
Comment: This study involves interpretation of variants in research participants for the purpose of population health screening. Participant phenotype was not available at the time of variant classification. Additional details can be found in publication PMID: 35346344, PMCID: PMC8962531

NM_001035.3(RYR2):c.449A>T (p.Gln150Leu)

Gene: RYR2 (ryanodine receptor 2; plus strand). Cytogenetic location: 1q43.
Variant type: single nucleotide variant.
Coding change: c.449A>T on transcript NM_001035.3 (MANE Select); coding-DNA position 449, A replaced by T.
Protein change: p.Gln150Leu; replaces glutamine 150 with leucine.
Molecular consequence: missense variant.
Genome position (GRCh38, 1-based): chr1:237,374,781, A>T. VCF-style: chr1-237374781-A-T. GRCh37 (hg19) VCF-style: chr1-237538081-A-T.
Other names: short protein forms Q150L.
Identifiers: ClinVar variation 3072628 (VCV003072628.1), dbSNP rs2529941265, ClinGen allele CA345374467.